The following is an entry in ClinVar:

NM_001200.4(BMP2):c.17G>C (p.Arg6Pro)

Gene: BMP2 (bone morphogenetic protein 2; plus strand). Cytogenetic location: 20p12.3.
Variant type: single nucleotide variant.
Coding change: c.17G>C on transcript NM_001200.4 (MANE Select); coding-DNA position 17, G replaced by C.
Protein change: p.Arg6Pro; replaces arginine 6 with proline.
Molecular consequence: missense variant.
Genome position (GRCh38, 1-based): chr20:6,770,143, G>C. VCF-style: chr20-6770143-G-C. GRCh37 (hg19) VCF-style: chr20-6750790-G-C.
Other names: short protein forms R6P.
Identifiers: ClinVar variation 3610416 (VCV003610416.2).
Genomic context (GRCh38, chr20:6,770,143, plus strand): 5'-GGGGAACTCGGGTGACTCACGTCGGTCCTGTCCGCAGGTCGACCATGGTGGCCGGGACCC[G>C]CTGTCTTCTAGCGTTGCTGCTTCCCCAGGTCCTCCTGGGCGGCGCGGCTGGCCTCGTTCC-3'
Protein context (NP_001191.1, residues 1-16): MVAGT[Arg6Pro]CLLALLLPQV

ClinVar aggregate classification (germline): Uncertain significance (1 of 4 stars; one submission).

Submission:

Labcorp Genetics (formerly Invitae), Labcorp
Classification: Uncertain significance. Last evaluated: 2024-03-02. Review status: criteria provided, single submitter. Criteria: Invitae Variant Classification Sherloc (09022015). Collection method: clinical testing. Allele origin: germline.
Comment: This sequence change replaces arginine, which is basic and polar, with proline, which is neutral and non-polar, at codon 6 of the BMP2 protein (p.Arg6Pro). This variant is present in population databases (no rsID available, gnomAD 0.01%). This variant has not been reported in the literature in individuals affected with BMP2-related conditions. An algorithm developed to predict the effect of missense changes on protein structure and function (PolyPhen-2) suggests that this variant is likely to be tolerated. In summary, the available evidence is currently insufficient to determine the role of this variant in disease. Therefore, it has been classified as a Variant of Uncertain Significance.